The following is an entry in ClinVar:

ClinVar aggregate classification (germline): Uncertain significance (1 of 4 stars; one submission).

Conditions:
Long QT syndrome (LQTS). Identifiers: MedGen C0023976, MeSH D008133, MONDO:0002442. Disease mechanism: loss of function. Inheritance: Various modes of inheritance.

Allele frequency attached by ClinVar (database versions not stated): gnomAD exomes below 0.00001.
gnomAD v4.1: 1 of 1,552,516 alleles (0.000064%); highest among the groups gnomAD compares: Non-Finnish European, 0.000087%; no homozygotes.

Submission:

Labcorp Genetics (formerly Invitae), Labcorp
Classification: Uncertain significance for Long QT syndrome. Last evaluated: 2025-11-03. Review status: criteria provided, single submitter. Criteria: Invitae Variant Classification Sherloc (09022015). Collection method: clinical testing. Allele origin: germline.
Comment: This sequence change falls in intron 13 of the CACNA1C gene. It does not directly change the encoded amino acid sequence of the CACNA1C protein. It affects a nucleotide within the consensus splice site. This variant is not present in population databases (gnomAD no frequency). This variant has not been reported in the literature in individuals affected with CACNA1C-related conditions. ClinVar contains an entry for this variant (Variation ID: 2877278). Variants that disrupt the consensus splice site are a relatively common cause of aberrant splicing (PMID: 17576681, 9536098). Algorithms developed to predict the effect of sequence changes on RNA splicing suggest that this variant is not likely to affect RNA splicing. In summary, the available evidence is currently insufficient to determine the role of this variant in disease. Therefore, it has been classified as a Variant of Uncertain Significance.

Literature cited by the submitters: PubMed 17576681; PubMed 9536098.

NM_000719.7(CACNA1C):c.1896-3C>T

Gene: CACNA1C (calcium voltage-gated channel subunit alpha1 C; plus strand). Cytogenetic location: 12p13.33.
Variant type: single nucleotide variant.
Coding change: c.1896-3C>T on transcript NM_000719.7 (MANE Select); 3 bases into the intron before coding-DNA position 1896, C replaced by T.
Molecular consequence: intron variant.
Genome position (GRCh38, 1-based): chr12:2,581,587, C>T. VCF-style: chr12-2581587-C-T. GRCh37 (hg19) VCF-style: chr12-2690753-C-T.
Other names: c.1896-3C>T (NM_001167624.3, NM_001167623.2, NM_001167625.2 and 18 more transcripts); c.1887-3C>T (NM_001129844.2).
Identifiers: ClinVar variation 2877278 (VCV002877278.3), dbSNP rs2514742461, ClinGen allele CA2617064769.